The following is an entry in ClinVar:

NM_001130438.3(SPTAN1):c.883C>T (p.Arg295Trp)

Gene: SPTAN1 (spectrin alpha, non-erythrocytic 1; plus strand). Cytogenetic location: 9q34.11.
Variant type: single nucleotide variant.
Coding change: c.883C>T on transcript NM_001130438.3 (MANE Select); coding-DNA position 883, C replaced by T.
Protein change: p.Arg295Trp; replaces arginine 295 with tryptophan.
Molecular consequence: missense variant.
Genome position (GRCh38, 1-based): chr9:128,577,226, C>T. VCF-style: chr9-128577226-C-T. GRCh37 (hg19) VCF-style: chr9-131339505-C-T.
Other names: c.883C>T, p.Arg295Trp (NM_001363759.2, NM_001363765.2, NM_001375310.1 and 5 more transcripts); c.919C>T, p.Arg307Trp (NM_001375312.2, NM_001375318.1); short protein forms R295W, R307W.
Identifiers: ClinVar variation 2883220 (VCV002883220.3), dbSNP rs1851408993, ClinGen allele CA375048752.

ClinVar aggregate classification (germline): Uncertain significance (1 of 4 stars; one submission).

Conditions:
Early-infantile DEE. Also called: Ohtahara syndrome; Early infantile epileptic encephalopathy; Early infantile epileptic encephalopathy with suppression bursts. Identifiers: Orphanet 1934, MedGen C0393706, MONDO:0800491.

Allele frequency attached by ClinVar (database versions not stated): gnomAD exomes below 0.00001; gnomAD 0.00001.

Submission:

Labcorp Genetics (formerly Invitae), Labcorp
Classification: Uncertain significance for Early-infantile DEE. Last evaluated: 2024-06-15. Review status: criteria provided, single submitter. Criteria: Invitae Variant Classification Sherloc (09022015). Collection method: clinical testing. Allele origin: germline.
Comment: This sequence change replaces arginine, which is basic and polar, with tryptophan, which is neutral and slightly polar, at codon 295 of the SPTAN1 protein (p.Arg295Trp). This variant is not present in population databases (gnomAD no frequency). This variant has not been reported in the literature in individuals affected with SPTAN1-related conditions. Advanced modeling of protein sequence and biophysical properties (such as structural, functional, and spatial information, amino acid conservation, physicochemical variation, residue mobility, and thermodynamic stability) has been performed at Invitae for this missense variant, however the output from this modeling did not meet the statistical confidence thresholds required to predict the impact of this variant on SPTAN1 protein function. In summary, the available evidence is currently insufficient to determine the role of this variant in disease. Therefore, it has been classified as a Variant of Uncertain Significance.